The following is an entry in ClinVar:

NM_182961.4(SYNE1):c.24955C>T (p.Arg8319Trp)

Gene: SYNE1 (spectrin repeat containing nuclear envelope protein 1; minus strand). Cytogenetic location: 6q25.2.
Variant type: single nucleotide variant.
Coding change: c.24955C>T on transcript NM_182961.4 (MANE Select); coding-DNA position 24955, C replaced by T.
Protein change: p.Arg8319Trp; replaces arginine 8319 with tryptophan.
Molecular consequence: missense variant.
Genome position (GRCh38, 1-based): chr6:152,148,066, G>A on the plus strand (C>T on the coding strand, the complement: SYNE1 is on the minus strand). VCF-style: chr6-152148066-G-A. GRCh37 (hg19) VCF-style: chr6-152469201-G-A.
Other names: c.1561C>T, p.Arg521Trp (NM_001347701.2); c.1420C>T, p.Arg474Trp (NM_001347702.2); c.24742C>T, p.Arg8248Trp (NM_033071.5); short protein forms R8248W, R521W, R8319W, R474W.
Identifiers: ClinVar variation 805571 (VCV000805571.29), dbSNP rs201109440, ClinGen allele CA4053041.
Genomic context (GRCh38, chr6:152,148,066, plus strand): 5'-TTTCCTTTAAGCTGGCAAACTGGAGAGGCTCTTTCCTACCTGATAAGCCAACAGCTCCCC[G>A]GAGGTAGAAATCTTTGTCATCCTGACCTTCTTCATCCTCAGAGGGCAGAGCTCTGGACAT-3'
Protein context (NP_892006.3, residues 8309-8329): EGQDDKDFYL[Arg8319Trp]GAVGLSGDHS

ClinVar aggregate classification (germline): Uncertain significance. Review status: criteria provided, multiple submitters, no conflicts (2 of 4 stars). 3 submissions from 3 submitters: Uncertain significance (3). Last evaluated 2026-01-05.

Conditions:
Autosomal recessive ataxia, Beauce type. Also called: SYNE1 Deficiency; Spinocerebellar ataxia, autosomal recessive 8; SYNE1-Related Autosomal Recessive Cerebellar Ataxia; ATAXIA, RECESSIVE, OF BEAUCE. Identifiers: Orphanet 88644, MedGen C1853116, MONDO:0012549, OMIM 610743.
Emery-Dreifuss muscular dystrophy 4, autosomal dominant (EDMD4). Also called: EMERY-DREIFUSS MUSCULAR DYSTROPHY 4 WITH VARIABLE FEATURES. Identifiers: Orphanet 261, MedGen C2751807, MONDO:0013071, OMIM 612998.

Allele frequency attached by ClinVar (database versions not stated): ExAC 0.00002; gnomAD 0.00002 and 0.00003; gnomAD exomes 0.00002 and 0.00003; TOPMed 0.00003; 1000 Genomes Project 30x 0.00016; 1000 Genomes Project 0.00020.
gnomAD v4.1: 41 of 1,614,058 alleles (0.0025%); highest among the groups gnomAD compares: Middle Eastern, 0.016%; no homozygotes.

Submissions (3):

Labcorp Genetics (formerly Invitae), Labcorp
Classification: Uncertain significance for Emery-Dreifuss muscular dystrophy 4, autosomal dominant; Autosomal recessive ataxia, Beauce type. Last evaluated: 2026-01-05. Review status: criteria provided, single submitter. Criteria: Invitae Variant Classification Sherloc (09022015). Collection method: clinical testing. Allele origin: germline.
Comment: This sequence change replaces arginine, which is basic and polar, with tryptophan, which is neutral and slightly polar, at codon 8248 of the SYNE1 protein (p.Arg8248Trp). This variant is present in population databases (rs201109440, gnomAD 0.02%). This variant has not been reported in the literature in individuals affected with SYNE1-related conditions. ClinVar contains an entry for this variant (Variation ID: 805571). An algorithm developed to predict the effect of missense changes on protein structure and function (PolyPhen-2) suggests that this variant is likely to be disruptive. In summary, the available evidence is currently insufficient to determine the role of this variant in disease. Therefore, it has been classified as a Variant of Uncertain Significance.

CeGaT Center for Human Genetics Tuebingen
Classification: Uncertain significance. Last evaluated: 2024-02-01. Review status: criteria provided, single submitter. Criteria: CeGaT Center For Human Genetics Tuebingen Variant Classification Criteria Version 2. Collection method: clinical testing. Allele origin: germline. Affected: yes. Observed: 1 variant allele.
Comment: SYNE1: PM2:Supporting, BP4

Athena Diagnostics
Classification: Uncertain significance. Last evaluated: 2019-02-28. Review status: criteria provided, single submitter. Criteria: Athena Diagnostics Criteria. Collection method: clinical testing. Allele origin: germline.